The following is an entry in ClinVar:

ClinVar aggregate classification (germline): Uncertain significance. Review status: criteria provided, multiple submitters, no conflicts (2 of 4 stars). 2 submissions from 2 submitters: Uncertain significance (2). Last evaluated 2025-04-01.

Conditions:
Colorectal cancer, hereditary nonpolyposis, type 7. Identifiers: Orphanet 144, MedGen C1858380, MONDO:0013725, OMIM 614385.

Allele frequency attached by ClinVar (database versions not stated): gnomAD exomes 0.00001; ExAC 0.00002.
gnomAD v4.1: 13 of 1,614,064 alleles (0.00081%); highest among the groups gnomAD compares: Non-Finnish European, 0.00093%; no homozygotes.

Submissions (2):

Ambry Genetics
Classification: Uncertain significance. Last evaluated: 2025-04-01. Review status: criteria provided, single submitter. Criteria: Ambry Variant Classification Scheme 2023. Collection method: clinical testing. Allele origin: germline.
Comment: The p.Q1392R variant (also known as c.4175A>G), located in coding exon 11 of the MLH3 gene, results from an A to G substitution at nucleotide position 4175. The glutamine at codon 1392 is replaced by arginine, an amino acid with highly similar properties. This amino acid position is conserved. In addition, this alteration is predicted to be deleterious by in silico analysis. Since supporting evidence is limited at this time, the clinical significance of this alteration remains unclear.

Labcorp Genetics (formerly Invitae), Labcorp
Classification: Uncertain significance for Colorectal cancer, hereditary nonpolyposis, type 7. Last evaluated: 2024-01-19. Review status: criteria provided, single submitter. Criteria: Invitae Variant Classification Sherloc (09022015). Collection method: clinical testing. Allele origin: germline.
Comment: This sequence change replaces glutamine, which is neutral and polar, with arginine, which is basic and polar, at codon 1392 of the MLH3 protein (p.Gln1392Arg). This variant is present in population databases (rs761452132, gnomAD 0.004%). This variant has not been reported in the literature in individuals affected with MLH3-related conditions. ClinVar contains an entry for this variant (Variation ID: 1738444). An algorithm developed to predict the effect of missense changes on protein structure and function (PolyPhen-2) suggests that this variant is likely to be disruptive. In summary, the available evidence is currently insufficient to determine the role of this variant in disease. Therefore, it has been classified as a Variant of Uncertain Significance.

NM_001040108.2(MLH3):c.4175A>G (p.Gln1392Arg)

Gene: MLH3 (mutL homolog 3; minus strand). Cytogenetic location: 14q24.3.
Variant type: single nucleotide variant.
Coding change: c.4175A>G on transcript NM_001040108.2 (MANE Select); coding-DNA position 4175, A replaced by G.
Protein change: p.Gln1392Arg; replaces glutamine 1392 with arginine.
Molecular consequence: missense variant.
Genome position (GRCh38, 1-based): chr14:75,018,896, T>C on the plus strand (A>G on the coding strand, the complement: MLH3 is on the minus strand). VCF-style: chr14-75018896-T-C. GRCh37 (hg19) VCF-style: chr14-75485599-T-C.
Other names: c.4103A>G, p.Gln1368Arg (NM_014381.3); short protein forms Q1368R, Q1392R.
Identifiers: ClinVar variation 1738444 (VCV001738444.6), dbSNP rs761452132, ClinGen allele CA7275208.